The following is an entry in ClinVar:

ClinVar aggregate classification (germline): Likely benign. Review status: criteria provided, multiple submitters, no conflicts (2 of 4 stars). 2 submissions from 2 submitters: Likely benign (2). Last evaluated 2026-08-25.

Conditions:
KCNQ4-related disorder. Also called: KCNQ4-related condition.

Allele frequency attached by ClinVar (database versions not stated): gnomAD 0.00001; ExAC 0.00006.
gnomAD v4.1: 11 of 1,550,580 alleles (0.00071%); highest among the groups gnomAD compares: South Asian, 0.0012%; no homozygotes.

Submissions (2):

PreventionGenetics, part of Exact Sciences
Classification: Likely benign for KCNQ4-related condition. Last evaluated: 2026-08-25. Review status: criteria provided, single submitter. Criteria: ACMG Guidelines, 2015. Collection method: clinical testing. Allele origin: germline.
Comment: This variant is classified as likely benign based on ACMG/AMP sequence variant interpretation guidelines (Richards et al. 2015 PMID: 25741868, with internal and published modifications).

Labcorp Genetics (formerly Invitae), Labcorp
Classification: Likely benign. Last evaluated: 2024-01-24. Review status: criteria provided, single submitter. Criteria: Invitae Variant Classification Sherloc (09022015). Collection method: clinical testing. Allele origin: germline.

NM_004700.4(KCNQ4):c.1131-9C>G

Gene: KCNQ4 (potassium voltage-gated channel subfamily Q member 4; plus strand). Cytogenetic location: 1p34.2.
Variant type: single nucleotide variant.
Coding change: c.1131-9C>G on transcript NM_004700.4 (MANE Select); 9 bases into the intron before coding-DNA position 1131, C replaced by G.
Molecular consequence: intron variant.
Genome position (GRCh38, 1-based): chr1:40,824,088, C>G. VCF-style: chr1-40824088-C-G. GRCh37 (hg19) VCF-style: chr1-41289760-C-G.
Other names: c.1131-9C>G (NM_004700.3); c.1130+1686C>G (NM_172163.3).
Identifiers: ClinVar variation 2889562 (VCV002889562.4), dbSNP rs779293689, ClinGen allele CA794786.
Genomic context (GRCh38, chr1:40,824,088, plus strand): 5'-TCTGTGCCCACTGGGTGAGGGGGGTGGTGCCATGGCCCTGCCTGCCACTGATGGTGCCCT[C>G]TCCTGCAGAGAGCTGGCCCTCTTGTTTGAGCACGTGCAACGGGCCCGCAATGGGGGCCTA-3'